The following is an entry in ClinVar:

NM_000393.5(COL5A2):c.2554-14A>G

Gene: COL5A2 (collagen type V alpha 2 chain; minus strand). Cytogenetic location: 2q32.2.
Variant type: single nucleotide variant.
Coding change: c.2554-14A>G on transcript NM_000393.5 (MANE Select); 14 bases into the intron before coding-DNA position 2554, A replaced by G.
Molecular consequence: intron variant.
Genome position (GRCh38, 1-based): chr2:189,053,032, T>C on the plus strand (A>G on the coding strand, the complement: COL5A2 is on the minus strand). VCF-style: chr2-189053032-T-C. GRCh37 (hg19) VCF-style: chr2-189917758-T-C.
Other names: c.2554-14A>G (NM_000393.4).
Identifiers: ClinVar variation 136945 (VCV000136945.33), dbSNP rs142429770, ClinGen allele CA290382.

ClinVar aggregate classification (germline): Benign/Likely benign. Review status: criteria provided, multiple submitters, no conflicts (2 of 4 stars). 9 submissions from 9 submitters: Benign (6); Likely benign (3). Last evaluated 2026-02-03.

Conditions:
Ehlers-Danlos syndrome, classic type, 2 (EDSCL2). Also called: Ehlers-Danlos syndrome, type 2; Ehlers-Danlos syndrome type 2 (formerly); Ehlers-Danlos Syndrome, Classic Type, COL5A2-Related. Identifiers: Orphanet 287, Orphanet 90318, MedGen C0268336, MONDO:0019568, OMIM 130010.
Ehlers-Danlos syndrome, classic type, 1 (EDSCL1). Also called: Ehlers-Danlos syndrome, type 1; EHLERS-DANLOS SYNDROME, GRAVIS TYPE; EHLERS-DANLOS SYNDROME, SEVERE CLASSIC TYPE; Ehlers-Danlos Syndrome, Classic Type, COL5A1-Related; EDS I. Identifiers: MedGen C0268335, MONDO:0019567, OMIM 130000.
Ehlers-Danlos syndrome, classic type (cEDS). Identifiers: Orphanet 287, MedGen C4225429, MONDO:0007522.

Allele frequency attached by ClinVar (database versions not stated): gnomAD 0.00661 and 0.00703; gnomAD exomes 0.00686 and 0.00808; ESP Exome Variant Server 0.00692; ExAC 0.00754; 1000 Genomes Project 30x 0.00125; 1000 Genomes Project 0.00160; TOPMed 0.00469.
gnomAD v4.1: 12,505 of 1,594,418 alleles (0.78%); highest among the groups gnomAD compares: Non-Finnish European, 0.9%; 67 homozygotes.

Submissions (9):

Labcorp Genetics (formerly Invitae), Labcorp
Classification: Benign for Ehlers-Danlos syndrome, classic type, 1. Last evaluated: 2026-02-03. Review status: criteria provided, single submitter. Criteria: Invitae Variant Classification Sherloc (09022015). Collection method: clinical testing. Allele origin: germline.

ARUP Laboratories, Molecular Genetics and Genomics, ARUP Laboratories
Classification: Benign for Ehlers-Danlos syndrome, classic type, 2. Last evaluated: 2025-07-07. Review status: criteria provided, single submitter. Criteria: ARUP Molecular Germline Variant Investigation Process 2024. Collection method: clinical testing. Allele origin: germline.

Blueprint Genetics
Classification: Likely benign. Last evaluated: 2024-11-25. Review status: criteria provided, single submitter. Criteria: ACMG Guidelines, 2015. Collection method: clinical testing. Allele origin: germline.

Women's Health and Genetics/Laboratory Corporation of America, LabCorp
Classification: Benign. Last evaluated: 2023-08-10. Review status: criteria provided, single submitter. Criteria: LabCorp Variant Classification Summary - May 2015. Collection method: clinical testing. Allele origin: germline.

Illumina Laboratory Services, Illumina
Classification: Benign for Ehlers-Danlos syndrome, classic type, 2. Last evaluated: 2018-01-12. Review status: criteria provided, single submitter. Criteria: ICSL Variant Classification Criteria 13 December 2019. Collection method: clinical testing. Allele origin: germline.
Comment: This variant was observed in the ICSL laboratory as part of a predisposition screen in an ostensibly healthy population. It had not been previously curated by ICSL or reported in the Human Gene Mutation Database (HGMD: prior to June 1st, 2018), and was therefore a candidate for classification through an automated scoring system. Utilizing variant allele frequency, disease prevalence and penetrance estimates, and inheritance mode, an automated score was calculated to assess if this variant is too frequent to cause the disease. Based on the score and internal cut-off values, a variant classified as benign is not then subjected to further curation. The score for this variant resulted in a classification of benign for this disease.

Center for Human Genetics, Inc
Classification: Likely benign for Ehlers-Danlos syndrome, classic type, 1. Last evaluated: 2016-11-01. Review status: criteria provided, single submitter. Criteria: ACMG Guidelines, 2015. Collection method: clinical testing. Allele origin: germline. Affected: yes.

GeneDx
Classification: Benign. Last evaluated: 2013-03-05. Review status: criteria provided, single submitter. Criteria: GeneDx Variant Classification (06012015). Collection method: clinical testing. Allele origin: germline. Affected: yes.
Comment: This variant is considered likely benign or benign based on one or more of the following criteria: it is a conservative change, it occurs at a poorly conserved position in the protein, it is predicted to be benign by multiple in silico algorithms, and/or has population frequency not consistent with disease.

Breakthrough Genomics
Classification: Likely benign. Review status: criteria provided, single submitter. Criteria: ACMG Guidelines, 2015. Collection method: not provided. Allele origin: germline. Inheritance: Autosomal dominant inheritance. Affected: yes.

PreventionGenetics, part of Exact Sciences
Classification: Benign. Review status: criteria provided, single submitter. Criteria: ACMG Guidelines, 2015. Collection method: clinical testing. Allele origin: germline.